The following is an entry in ClinVar:

NM_018979.4(WNK1):c.2441C>T (p.Ser814Leu)

Gene: WNK1 (WNK lysine deficient protein kinase 1; plus strand). Cytogenetic location: 12p13.33.
Variant type: single nucleotide variant.
Coding change: c.2441C>T on transcript NM_018979.4 (MANE Select); coding-DNA position 2441, C replaced by T.
Protein change: p.Ser814Leu; replaces serine 814 with leucine.
Molecular consequence: missense variant. On other transcripts: intron variant (3).
Genome position (GRCh38, 1-based): chr12:879,640, C>T. VCF-style: chr12-879640-C-T. GRCh37 (hg19) VCF-style: chr12-988806-C-T.
Other names: c.3867+1279C>T (NM_213655.5); c.3613-1081C>T (NM_001184985.2); c.2370+1279C>T (NM_014823.3); short protein forms S814L.
Identifiers: ClinVar variation 538529 (VCV000538529.7), dbSNP rs199930107, ClinGen allele CA6382479.

ClinVar aggregate classification (germline): Uncertain significance (1 of 4 stars; one submission).

Conditions:
Neuropathy, hereditary sensory and autonomic, type 2A (HSAN2A). Also called: HSAN IIA; WNK1-Related HSAN2 (HSAN2A); MORVAN DISEASE; NEUROPATHY, CONGENITAL SENSORY; NEUROPATHY, HEREDITARY SENSORY RADICULAR, AUTOSOMAL RECESSIVE; NEUROPATHY, HEREDITARY SENSORY, TYPE IIA. Identifiers: Orphanet 970, MedGen C2752089, MONDO:0024309, OMIM 201300.
Pseudohypoaldosteronism type 2C (PHA2C). Also called: Pseudohypoaldosteronism Type IIC. Identifiers: Orphanet 757, Orphanet 88940, MedGen C1840391, MONDO:0013778, OMIM 614492.

Allele frequency attached by ClinVar (database versions not stated): gnomAD 0.00001; gnomAD exomes 0.00001; TOPMed 0.00001; ExAC 0.00002; 1000 Genomes Project 30x 0.00016; 1000 Genomes Project 0.00020.

Submission:

Labcorp Genetics (formerly Invitae), Labcorp
Classification: Uncertain significance for Neuropathy, hereditary sensory and autonomic, type 2A; Pseudohypoaldosteronism type 2C. Last evaluated: 2017-12-17. Review status: criteria provided, single submitter. Criteria: Invitae Variant Classification Sherloc (09022015). Collection method: clinical testing. Allele origin: germline.
Comment: In summary, the available evidence is currently insufficient to determine the role of this variant in disease. Therefore, it has been classified as a Variant of Uncertain Significance. Algorithms developed to predict the effect of missense changes on protein structure and function do not agree on the potential impact of this missense change (SIFT: "Deleterious"; PolyPhen-2: "Benign"; Align-GVGD: "Class C0"). This variant has not been reported in the literature in individuals with WNK1-related disease. This variant is present in population databases (rs199930107, ExAC 0.02%). This sequence change replaces serine with leucine at codon 814 of the WNK1 protein (p.Ser814Leu). The serine residue is highly conserved and there is a large physicochemical difference between serine and leucine.